The following continues an entry in ClinVar:

NM_000518.4(HBB):c.364G>C (p.Glu122Gln)

ClinVar aggregate classification (germline): Pathogenic/Likely pathogenic. Pathogenic (15); Likely pathogenic (7).

Submissions 19 to 24 of 24:

Knight Diagnostic Laboratories, Oregon Health and Sciences University
Classification: Pathogenic for Beta-thalassemia HBB/LCRB. Last evaluated: 2016-01-27. Review status: criteria provided, single submitter. Criteria: ACMG Guidelines, 2015. Collection method: clinical testing. Allele origin: germline. Affected: no. Study: CSER-NextGen.
Comment: The c.346G>C (p.Glu534Gln) missense variant, Hb D-Los Angeles, is the fourth most common hemoglobin variant world-wide. Multiple reports identify the variant as pathogenic in combination with Hb S. Co-inheritance of Hb D-Los Angeles with Hb S results in Hb SD-Los Angeles (compound heterozygotes) and a moderate to severe clinical phenotype similar to that of sickle cell anemia (SCA). Patients with Hb SD disease have severe hemolytic anemia and recurrent vaso-occlusive episodes. Hb S molecules undergo two-step process leading to nucleation and ultimately the formation of a complex sickle polymer in the deoxygenated state. It is proposed that in the Hb SD-Los Angeles molecule, the Glu122Gln substitution strengthens the second step thereby accelerating polymerization. Thus the Hb D-Los Angeles genotype might increases the probability of sickling (GeneReviews: Origa, 2015,, GeneReviews: Bender et al., 2014). This missense variant has significantly increased prevalence in affected individuals relative to controls. Individuals who are either heterozygous or homozygous for the Hb D-Los Angeles variant alone are generally asymptomatic, although rarely, Hb D homozygous individuals can present with mild hemolytic anemia and mild to moderate splenomegaly (GeneReviews: Origa, 2015,, GeneReviews: Bender et al., 2014). Therefore, this collective evidence supports the classification of the c.364G>C (p.Glu122Gln) as a Pathogenic variant for Beta Thalassemia.

Baylor Genetics
Classification: Pathogenic for Hb SS disease. Review status: criteria provided, single submitter. Criteria: ACMG Guidelines, 2015. Collection method: clinical testing. Allele origin: germline.

Kariminejad - Najmabadi Pathology & Genetics Center
Classification: Likely pathogenic for Hb SS disease. Review status: criteria provided, single submitter. Criteria: ACMG Guidelines, 2015. Collection method: clinical testing. Allele origin: germline. Affected: no.

Neuberg Centre For Genomic Medicine, NCGM
Classification: Pathogenic for Beta-thalassemia HBB/LCRB. Review status: criteria provided, single submitter. Criteria: ACMG Guidelines, 2015. Collection method: clinical testing. Allele origin: germline. Inheritance: Autosomal dominant inheritance. Affected: yes.
Comment: This variant is also known as p.Glu121Gln, HbD-Los Angeles, HbD-Punjab, HbD-North-Carolina, HbD-Portugal, and HbDChicago. When observed in the heterozygous or homozygous state, this variant is generally asymptomatic (Patel DK et al., 2014; Patel S et al., 2014). Experimental studies have shown that this missense change affects HBB function (Adachi K et al., 1988). The missense c.364G>C(p.Glu122Gln) variant in HBB gene has been reported in individuals affected with HbSD-Punjab (HbSD), a less common form of sickle cell disease (SCD). This variant is co-inherited with HBB p.Glu7Val. The variant usually occurs as an asymptomatic trait, as a mild-to-intermediate microcytic condition in combination with b-thalassemia (b-thal), as a severe sickle cell disease in combination with Hb S (HBB: c.20A>T), and more rarely, in cultures with traditions of high consanguinity, in the homozygous state, again, a rather asymptomatic condition (Das S,et al., 2015).

OMIM
Classification: other for HEMOGLOBIN D (LOS ANGELES). Last evaluated: 2017-12-12. Review status: no assertion criteria provided. Collection method: literature only. Allele origin: germline. Not counted in ClinVar's aggregate classification.

GeneReviews
No classification provided. Condition: Hb SS disease. Review status: no classification provided. Collection method: literature only. Allele origin: germline. Not counted in ClinVar's aggregate classification.

Literature cited by the submitters: PubMed 10490135 (cited by Natera, Inc.); PubMed 25818823 (cited by 4 submitters); PubMed 2895770 (cited by 4 submitters); PubMed 20301551 (cited by Dasa and Illumina Laboratory Services, Illumina); PubMed 24245819 (cited by Labcorp Genetics (formerly Invitae), Labcorp); PubMed 24616059 (cited by Labcorp Genetics (formerly Invitae), Labcorp and Quest Diagnostics Nichols Institute San Juan Capistrano); PubMed 25666204 (cited by 3 submitters); PubMed 5672850 (cited by Quest Diagnostics Nichols Institute San Juan Capistrano and Myriad Genetics, Inc.); PubMed 25087612 (cited by Quest Diagnostics Nichols Institute San Juan Capistrano); PubMed 22028795 (cited by Quest Diagnostics Nichols Institute San Juan Capistrano and Women's Health and Genetics/Laboratory Corporation of America, LabCorp); PubMed 2307460 (cited by Quest Diagnostics Nichols Institute San Juan Capistrano and OMIM); PubMed 30626242 (cited by Quest Diagnostics Nichols Institute San Juan Capistrano); PubMed 24123366 (cited by Quest Diagnostics Nichols Institute San Juan Capistrano); PubMed 22975760 (cited by Quest Diagnostics Nichols Institute San Juan Capistrano); PubMed 9140717 (cited by Quest Diagnostics Nichols Institute San Juan Capistrano); PubMed 8095930 (cited by Quest Diagnostics Nichols Institute San Juan Capistrano); PubMed 31553106 (cited by Quest Diagnostics Nichols Institute San Juan Capistrano); PubMed 31973650 (cited by Quest Diagnostics Nichols Institute San Juan Capistrano); PubMed 33867742 (cited by Quest Diagnostics Nichols Institute San Juan Capistrano); PubMed 12403491 (cited by 3 submitters); PubMed 1177278 (cited by 3 submitters); PubMed 4078867 (cited by 4 submitters); PubMed 3557998 (cited by Myriad Genetics, Inc.); PubMed 20437613 (cited by Women's Health and Genetics/Laboratory Corporation of America, LabCorp); PubMed 12709369 (cited by Women's Health and Genetics/Laboratory Corporation of America, LabCorp); PubMed 16370495 (cited by Women's Health and Genetics/Laboratory Corporation of America, LabCorp); PubMed 1244906 (cited by Women's Health and Genetics/Laboratory Corporation of America, LabCorp); PubMed 16540414 (cited by Women's Health and Genetics/Laboratory Corporation of America, LabCorp); PubMed 24814631 (cited by Women's Health and Genetics/Laboratory Corporation of America, LabCorp); PubMed 21194265 (cited by Illumina Laboratory Services, Illumina); PubMed 20110664 (cited by Illumina Laboratory Services, Illumina); PubMed 19958184 (cited by Eurofins Ntd Llc (ga)); PubMed 13590135 (cited by OMIM); PubMed 13872094 (cited by OMIM); PubMed 14160125 (cited by OMIM); Schneider, R. Personal Communication. 1978. Galveston, Tex. (cited by OMIM); Lehmann, H. Haemolyse aufgrund instabiler Haemoglobine. In: Nowicki, L., Martin, H., Schubert, J. C. F. (eds.) Haemolyse-haemolytische Erkrankungen. Munich: J. F. Lehmanns Verlag (pub.) 1973. (cited by OMIM); PubMed 4991321 (cited by OMIM); PubMed 5050915 (cited by OMIM); PubMed 750553 (cited by OMIM); PubMed 6322284 (cited by OMIM); PubMed 3557993 (cited by OMIM); PubMed 2887538 (cited by OMIM); PubMed 2079437 (cited by OMIM); PubMed 7338475 (cited by OMIM); NCBI Bookshelf NBK1377 (cited by GeneReviews).